The following is an entry in ClinVar:

ClinVar aggregate classification (germline): Benign. Review status: criteria provided, multiple submitters, no conflicts (2 of 4 stars). 5 submissions from 5 submitters: Benign (3). 2 of the submissions do not count toward it. Last evaluated 2026-01-01.

Conditions:
UQCRC2-related disorder. Also called: UQCRC2-related condition.

Allele frequency attached by ClinVar (database versions not stated): 1000 Genomes Project 0.02995; TOPMed 0.02488; ESP Exome Variant Server 0.02578; 1000 Genomes Project 30x 0.03232.

Submissions (5):

Labcorp Genetics (formerly Invitae), Labcorp
Classification: Benign. Last evaluated: 2026-01-01. Review status: criteria provided, single submitter. Criteria: Invitae Variant Classification Sherloc (09022015). Collection method: clinical testing. Allele origin: germline.

GeneDx
Classification: Benign. Last evaluated: 2015-12-22. Review status: criteria provided, single submitter. Criteria: GeneDx Variant Classification (06012015). Collection method: clinical testing. Allele origin: germline. Affected: yes.
Comment: This variant is considered likely benign or benign based on one or more of the following criteria: it is a conservative change, it occurs at a poorly conserved position in the protein, it is predicted to be benign by multiple in silico algorithms, and/or has population frequency not consistent with disease.

Breakthrough Genomics
Classification: Benign. Review status: criteria provided, single submitter. Criteria: ACMG Guidelines, 2015. Collection method: not provided. Allele origin: germline. Inheritance: Autosomal recessive inheritance. Affected: yes.

PreventionGenetics, part of Exact Sciences
Classification: Benign for UQCRC2-related condition. Last evaluated: 2020-01-09. Review status: no assertion criteria provided. Collection method: clinical testing. Allele origin: germline. Not counted in ClinVar's aggregate classification.
Comment: This variant is classified as benign based on ACMG/AMP sequence variant interpretation guidelines (Richards et al. 2015 PMID: 25741868, with internal and published modifications).

Mayo Clinic Laboratories, Mayo Clinic
Classification: Benign. Last evaluated: 2016-03-16. Review status: no assertion criteria provided. Collection method: clinical testing. Allele origin: unknown. Not counted in ClinVar's aggregate classification.

NM_003366.4(UQCRC2):c.442C>A (p.Arg148Ser)

Genes: PDZD9 (PDZ domain containing 9), UQCRC2 (ubiquinol-cytochrome c reductase core protein 2). Cytogenetic location: 16p12.2.
Variant type: single nucleotide variant.
Coding change: c.442C>A on transcript NM_003366.4 (MANE Select); coding-DNA position 442, C replaced by A.
Protein change: p.Arg148Ser; replaces arginine 148 with serine.
Molecular consequence: missense variant.
Genome position (GRCh38, 1-based): chr16:21,962,813, C>A. VCF-style: chr16-21962813-C-A. GRCh37 (hg19) VCF-style: chr16-21974134-C-A.
Other names: short protein forms R148S.
Identifiers: ClinVar variation 382034 (VCV000382034.16), dbSNP rs2228473, ClinGen allele CA7953756.